The following is an entry in ClinVar:

NM_004855.5(PIGB):c.981T>G (p.Phe327Leu)

Gene: PIGB (phosphatidylinositol glycan anchor biosynthesis class B; plus strand). Cytogenetic location: 15q21.3.
Variant type: single nucleotide variant.
Coding change: c.981T>G on transcript NM_004855.5 (MANE Select); coding-DNA position 981, T replaced by G.
Protein change: p.Phe327Leu; replaces phenylalanine 327 with leucine.
Molecular consequence: missense variant.
Genome position (GRCh38, 1-based): chr15:55,340,746, T>G. VCF-style: chr15-55340746-T-G. GRCh37 (hg19) VCF-style: chr15-55632944-T-G.
Other names: c.981T>G (NM_004855.4); short protein forms F327L.
Identifiers: ClinVar variation 1638865 (VCV001638865.11), dbSNP rs151252589, ClinGen allele CA7573981.

ClinVar aggregate classification (germline): Benign. Review status: criteria provided, multiple submitters, no conflicts (2 of 4 stars). 3 submissions from 3 submitters: Benign (2). 1 of the submissions does not count toward it. Last evaluated 2026-01-21.

Conditions:
PIGB-related disorder. Also called: PIGB-related condition.

Allele frequency attached by ClinVar (database versions not stated): ESP Exome Variant Server 0.00042; gnomAD exomes 0.00098 and 0.00413; gnomAD 0.00178 and 0.00234; TOPMed 0.00220; ExAC 0.00486; 1000 Genomes Project 30x 0.01421; 1000 Genomes Project 0.01458.
gnomAD v4.1: 1,980 of 1,611,450 alleles (0.12%); highest among the groups gnomAD compares: East Asian, 3.3%; 52 homozygotes.

Submissions (3):

Labcorp Genetics (formerly Invitae), Labcorp
Classification: Benign. Last evaluated: 2026-01-21. Review status: criteria provided, single submitter. Criteria: Invitae Variant Classification Sherloc (09022015). Collection method: clinical testing. Allele origin: germline.

Breakthrough Genomics
Classification: Benign. Review status: criteria provided, single submitter. Criteria: ACMG Guidelines, 2015. Collection method: not provided. Allele origin: germline. Inheritance: Autosomal recessive inheritance. Affected: yes.

PreventionGenetics, part of Exact Sciences
Classification: Benign for PIGB-related condition. Last evaluated: 2019-12-06. Review status: no assertion criteria provided. Collection method: clinical testing. Allele origin: germline. Not counted in ClinVar's aggregate classification.
Comment: This variant is classified as benign based on ACMG/AMP sequence variant interpretation guidelines (Richards et al. 2015 PMID: 25741868, with internal and published modifications).